The following is an entry in ClinVar:

NM_032816.5(CEP89):c.793A>T (p.Lys265Ter)

Gene: CEP89 (centrosomal protein 89; minus strand). Cytogenetic location: 19q13.11.
Variant type: single nucleotide variant.
Coding change: c.793A>T on transcript NM_032816.5 (MANE Select); coding-DNA position 793, A replaced by T.
Protein change: p.Lys265Ter; replaces lysine 265 with a stop codon.
Molecular consequence: nonsense.
Genome position (GRCh38, 1-based): chr19:32,933,544, T>A on the plus strand (A>T on the coding strand, the complement: CEP89 is on the minus strand). VCF-style: chr19-32933544-T-A. GRCh37 (hg19) VCF-style: chr19-33424450-T-A.
Other names: short protein forms K265*.
Identifiers: ClinVar variation 3692816 (VCV003692816.2).

ClinVar aggregate classification (germline): Uncertain significance (1 of 4 stars; one submission).

gnomAD v4.1: 1 of 1,613,734 alleles (0.000062%); highest among the groups gnomAD compares: African/African-American, 0.0013%; no homozygotes.

Submission:

Labcorp Genetics (formerly Invitae), Labcorp
Classification: Uncertain significance. Last evaluated: 2025-06-12. Review status: criteria provided, single submitter. Criteria: Invitae Variant Classification Sherloc (09022015). Collection method: clinical testing. Allele origin: germline.
Comment: This sequence change creates a premature translational stop signal (p.Lys265*) in the CEP89 gene. It is expected to result in an absent or disrupted protein product. However, the current clinical and genetic evidence is not sufficient to establish whether loss-of-function variants in CEP89 cause disease. This variant is not present in population databases (gnomAD no frequency). This variant has not been reported in the literature in individuals affected with CEP89-related conditions. ClinVar contains an entry for this variant (Variation ID: 3692816). Algorithms developed to predict the effect of sequence changes on RNA splicing suggest that this variant may disrupt the consensus splice site. In summary, the available evidence is currently insufficient to determine the role of this variant in disease. Therefore, it has been classified as a Variant of Uncertain Significance.